The following is an entry in ClinVar:

ClinVar aggregate classification (germline): Uncertain significance (1 of 4 stars; one submission).

gnomAD v4.1: 6 of 1,613,932 alleles (0.00037%); highest among the groups gnomAD compares: Admixed American, 0.005%; no homozygotes.

Submission:

Labcorp Genetics (formerly Invitae), Labcorp
Classification: Uncertain significance. Last evaluated: 2025-10-17. Review status: criteria provided, single submitter. Criteria: Invitae Variant Classification Sherloc (09022015). Collection method: clinical testing. Allele origin: germline.
Comment: This sequence change replaces alanine, which is neutral and non-polar, with valine, which is neutral and non-polar, at codon 1034 of the LRP6 protein (p.Ala1034Val). This variant is present in population databases (rs751013611, gnomAD 0.009%). This variant has not been reported in the literature in individuals affected with LRP6-related conditions. Invitae Evidence Modeling of protein sequence and biophysical properties (such as structural, functional, and spatial information, amino acid conservation, physicochemical variation, residue mobility, and thermodynamic stability) indicates that this missense variant is not expected to disrupt LRP6 protein function with a negative predictive value of 80%. In summary, the available evidence is currently insufficient to determine the role of this variant in disease. Therefore, it has been classified as a Variant of Uncertain Significance.

NM_002336.3(LRP6):c.3101C>T (p.Ala1034Val)

Gene: LRP6 (LDL receptor related protein 6; minus strand). Cytogenetic location: 12p13.2.
Variant type: single nucleotide variant.
Coding change: c.3101C>T on transcript NM_002336.3 (MANE Select); coding-DNA position 3101, C replaced by T.
Protein change: p.Ala1034Val; replaces alanine 1034 with valine.
Molecular consequence: missense variant. On other transcripts: non-coding transcript variant (1).
Genome position (GRCh38, 1-based): chr12:12,149,047, G>A on the plus strand (C>T on the coding strand, the complement: LRP6 is on the minus strand). VCF-style: chr12-12149047-G-A. GRCh37 (hg19) VCF-style: chr12-12301981-G-A.
Other names: c.3101C>T, p.Ala1034Val (NM_001414244.1, NM_001414245.1, NM_001414246.1 and 4 more transcripts); c.2903C>T, p.Ala968Val (NM_001414247.1); c.2648C>T, p.Ala883Val (NM_001414252.1, NM_001414253.1, NM_001414254.1); c.2594C>T, p.Ala865Val (NM_001414255.1); short protein forms A865V, A968V, A1034V, A883V.
Identifiers: ClinVar variation 4700087 (VCV004700087.1).